The following is an entry in ClinVar:

ClinVar aggregate classification (germline): Conflicting classifications of pathogenicity. Review status: criteria provided, conflicting classifications (1 of 4 stars). 6 submissions from 6 submitters: Uncertain significance (5); Benign (1). Last evaluated 2026-01-28.

Conditions:
Hypogonadotropic hypogonadism 5 with or without anosmia (KAL5). Also called: HYPOGONADOTROPIC HYPOGONADISM 5 WITH ANOSMIA; HYPOGONADOTROPHIC HYPOGONADISM 5 WITHOUT ANOSMIA; CHD7-Related GnRH Deficiency (Kallmann Syndrome 5). Identifiers: Orphanet 478, MedGen C3552553, MONDO:0012880, OMIM 612370. Disease mechanism: loss of function.
CHARGE syndrome (CHARGE). Also called: CHARGE ASSOCIATION--COLOBOMA, HEART ANOMALY, CHOANAL ATRESIA, RETARDATION, GENITAL AND EAR ANOMALIES; Coloboma, heart anomaly, choanal atresia, retardation, genital and ear anomalies; CHARGE association; Hall-Hittner syndrome; Hittner Hirsch Kreh syndrome. Identifiers: Orphanet 138, MedGen C0265354, MONDO:0008965.
Inborn genetic diseases. Identifiers: MedGen C0950123, MeSH D030342.

Allele frequency attached by ClinVar (database versions not stated): gnomAD 0.00004; TOPMed 0.00005; ExAC 0.00007.
gnomAD v4.1: 83 of 1,613,870 alleles (0.0051%); highest among the groups gnomAD compares: Middle Eastern, 0.033%; 1 homozygote.

Submissions (6):

Labcorp Genetics (formerly Invitae), Labcorp
Classification: Benign for CHARGE syndrome. Last evaluated: 2026-01-28. Review status: criteria provided, single submitter. Criteria: Invitae Variant Classification Sherloc (09022015). Collection method: clinical testing. Allele origin: germline.

CeGaT Center for Human Genetics Tuebingen
Classification: Uncertain significance. Last evaluated: 2024-02-01. Review status: criteria provided, single submitter. Criteria: CeGaT Center For Human Genetics Tuebingen Variant Classification Criteria Version 2. Collection method: clinical testing. Allele origin: germline. Affected: yes. Observed: 1 variant allele.
Comment: CHD7: PM5

Fulgent Genetics
Classification: Uncertain significance for CHD7-related CHARGE syndrome; Hypogonadotropic hypogonadism 5 with or without anosmia. Last evaluated: 2021-07-20. Review status: criteria provided, single submitter. Criteria: ACMG Guidelines, 2015. Collection method: clinical testing. Allele origin: unknown.

Revvity Omics, Revvity
Classification: Uncertain significance. Last evaluated: 2019-06-07. Review status: criteria provided, single submitter. Criteria: ACMG Guidelines, 2015. Collection method: clinical testing. Allele origin: germline.

Ambry Genetics
Classification: Uncertain significance for Inborn genetic diseases. Last evaluated: 2018-07-12. Review status: criteria provided, single submitter. Criteria: Ambry Variant Classification Scheme 2023. Collection method: clinical testing. Allele origin: germline.
Comment: The p.R2418Q variant (also known as c.7253G>A), located in coding exon 33 of the CHD7 gene, results from a G to A substitution at nucleotide position 7253. The arginine at codon 2418 is replaced by glutamine, an amino acid with highly similar properties. This amino acid position is highly conserved in available vertebrate species. In addition, the in silico prediction for this alteration is inconclusive. Since supporting evidence is limited at this time, the clinical significance of this alteration remains unclear.

Illumina Laboratory Services, Illumina
Classification: Uncertain significance for Kallmann Syndrome 5. Last evaluated: 2018-01-13. Review status: criteria provided, single submitter. Criteria: ICSL Variant Classification Criteria 13 December 2019. Collection method: clinical testing. Allele origin: germline.

NM_017780.4(CHD7):c.7253G>A (p.Arg2418Gln)

Gene: CHD7 (chromodomain helicase DNA binding protein 7; plus strand). Cytogenetic location: 8q12.2.
Variant type: single nucleotide variant.
Coding change: c.7253G>A on transcript NM_017780.4 (MANE Select); coding-DNA position 7253, G replaced by A.
Protein change: p.Arg2418Gln; replaces arginine 2418 with glutamine.
Molecular consequence: missense variant. On other transcripts: intron variant (1).
Genome position (GRCh38, 1-based): chr8:60,856,533, G>A. VCF-style: chr8-60856533-G-A. GRCh37 (hg19) VCF-style: chr8-61769092-G-A.
Other names: c.1717-5696G>A (NM_001316690.1); short protein forms R2418Q.
Identifiers: ClinVar variation 844761 (VCV000844761.40), dbSNP rs761410781, ClinGen allele CA4760787.